The following is an entry in ClinVar:

ClinVar aggregate classification (germline): Likely pathogenic (1 of 4 stars; one submission).

Conditions:
Severe X-linked myotubular myopathy (CNMX). Also called: MYOTUBULAR MYOPATHY 1; X-linked centronuclear myopathy; Myotubular myopathy, X-linked. Identifiers: Orphanet 596, MedGen C0410203, MONDO:0010683, OMIM 310400.

Allele frequency attached by ClinVar (database versions not stated): ExAC 0.00001.

Submission:

Myriad Genetics, Inc.
Classification: Likely pathogenic for Severe X-linked myotubular myopathy. Last evaluated: 2019-06-01. Review status: criteria provided, single submitter. Criteria: Myriad Women's Health Autosomal Recessive and X-Linked Classification Criteria (2019). Collection method: clinical testing. Allele origin: unknown.
Comment: NM_000252.2(MTM1):c.1037G>A(W346*) is expected to be pathogenic in the context of X-linked myotubular myopathy. This variant is predicted to lead to an abnormal or absent protein product due to the creation of a premature termination codon in MTM1, a gene where loss-of-function variants are known to be pathogenic. Please note: this variant was assessed in the context of healthy population screening.

NM_000252.3(MTM1):c.1037G>A (p.Trp346Ter)

Gene: MTM1 (myotubularin 1; plus strand). Cytogenetic location: Xq28.
Variant type: single nucleotide variant.
Coding change: c.1037G>A on transcript NM_000252.3 (MANE Select); coding-DNA position 1037, G replaced by A.
Protein change: p.Trp346Ter; replaces tryptophan 346 with a stop codon.
Molecular consequence: nonsense.
Genome position (GRCh38, 1-based): chrX:150,649,885, G>A. VCF-style: chrX-150649885-G-A. GRCh37 (hg19) VCF-style: chrX-149818358-G-A.
Other names: c.1037G>A, p.Trp346Ter (NM_001376906.1, NM_001376908.1); c.926G>A, p.Trp309Ter (NM_001376907.1); short protein forms W309*, W346*.
Identifiers: ClinVar variation 984255 (VCV000984255.3), dbSNP rs781939560, ClinGen allele CA10539195.